The following is an entry in ClinVar:

ClinVar aggregate classification (germline): Uncertain significance. Review status: criteria provided, multiple submitters, no conflicts (2 of 4 stars). 3 submissions from 3 submitters: Uncertain significance (3). Last evaluated 2025-10-17.

Conditions:
Cohen syndrome (COH1). Also called: Cutis verticis gyrata, retinitis pigmentosa, and sensorineural deafness; PEPPER SYNDROME. Identifiers: Orphanet 193, MedGen C0265223, MONDO:0008999, OMIM 216550.
VPS13B-related disorder. Also called: VPS13B-related condition.

Submissions (3):

PreventionGenetics, part of Exact Sciences
Classification: Uncertain significance for VPS13B-related condition. Last evaluated: 2025-10-17. Review status: criteria provided, single submitter. Criteria: ACMG Guidelines, 2015. Collection method: clinical testing. Allele origin: germline.
Comment: The VPS13B c.10455T>G variant is predicted to result in the amino acid substitution p.Asn3485Lys. To our knowledge, this variant has not been reported in the literature or in a large population database (gnomAD), indicating this variant is rare. At this time, the clinical significance of this variant is uncertain due to the absence of conclusive functional and genetic evidence.

GeneDx
Classification: Uncertain significance. Last evaluated: 2024-12-09. Review status: criteria provided, single submitter. Criteria: GeneDx Variant Classification Process June 2021. Collection method: clinical testing. Allele origin: germline. Affected: yes.
Comment: Not observed at significant frequency in large population cohorts (gnomAD); In silico analysis indicates that this missense variant does not alter protein structure/function; Has not been previously published as pathogenic or benign to our knowledge

Labcorp Genetics (formerly Invitae), Labcorp
Classification: Uncertain significance for Cohen syndrome. Last evaluated: 2021-09-24. Review status: criteria provided, single submitter. Criteria: Invitae Variant Classification Sherloc (09022015). Collection method: clinical testing. Allele origin: germline.
Comment: This sequence change replaces asparagine with lysine at codon 3510 of the VPS13B protein (p.Asn3510Lys). The asparagine residue is weakly conserved and there is a moderate physicochemical difference between asparagine and lysine. This variant is not present in population databases (ExAC no frequency). This variant has not been reported in the literature in individuals with VPS13B-related conditions. Algorithms developed to predict the effect of missense changes on protein structure and function are either unavailable or do not agree on the potential impact of this missense change (SIFT: "Not Available"; PolyPhen-2: "Benign"; Align-GVGD: "Not Available"). Algorithms developed to predict the effect of sequence changes on RNA splicing suggest that this variant may create or strengthen a splice site, but this prediction has not been confirmed by published transcriptional studies. In summary, the available evidence is currently insufficient to determine the role of this variant in disease. Therefore, it has been classified as a Variant of Uncertain Significance.

NM_152564.5(VPS13B):c.10455T>G (p.Asn3485Lys)

Gene: VPS13B (vacuolar protein sorting 13 homolog B; plus strand). Cytogenetic location: 8q22.2.
Variant type: single nucleotide variant.
Coding change: c.10455T>G on transcript NM_152564.5 (MANE Select); coding-DNA position 10455, T replaced by G.
Protein change: p.Asn3485Lys; replaces asparagine 3485 with lysine.
Molecular consequence: missense variant.
Genome position (GRCh38, 1-based): chr8:99,853,844, T>G. VCF-style: chr8-99853844-T-G. GRCh37 (hg19) VCF-style: chr8-100866072-T-G.
Other names: c.10530T>G, p.Asn3510Lys (NM_017890.5); c.10455T>G (NM_152564.4); c.10530T>G (NM_017890.3); short protein forms N3510K, N3485K.
Identifiers: ClinVar variation 1380564 (VCV001380564.7), dbSNP rs2130917547, ClinGen allele CA371783101.